The following is an entry in ClinVar:

NM_001127453.2(GSDME):c.529G>A (p.Glu177Lys)

Gene: GSDME (gasdermin E; minus strand). Cytogenetic location: 7p15.3.
Variant type: single nucleotide variant.
Coding change: c.529G>A on transcript NM_001127453.2 (MANE Select); coding-DNA position 529, G replaced by A.
Protein change: p.Glu177Lys; replaces glutamic acid 177 with lysine.
Molecular consequence: missense variant.
Genome position (GRCh38, 1-based): chr7:24,719,094, C>T on the plus strand (G>A on the coding strand, the complement: GSDME is on the minus strand). VCF-style: chr7-24719094-C-T. GRCh37 (hg19) VCF-style: chr7-24758713-C-T.
Other names: c.37G>A, p.Glu13Lys (NM_001127454.2); c.529G>A, p.Glu177Lys (NM_004403.3); short protein forms E13K, E177K.
Identifiers: ClinVar variation 1254316 (VCV001254316.11), dbSNP rs762267830, ClinGen allele CA4191712.
Genomic context (GRCh38, chr7:24,719,094, plus strand): 5'-CGACTGCACGCACCTGCACCGTCTTGGTCTGGATGCCCACGATGCCACCACACTTCTCCT[C>T]GACCTGCATGTGCTCAGAGATCACACACTTCTGCATCGTCGTGATCTTCTGTGTCAAAAC-3'
Protein context (NP_001120925.1, residues 167-187): KCVISEHMQV[Glu177Lys]EKCGGIVGIQ

ClinVar aggregate classification (germline): Uncertain significance. Review status: criteria provided, multiple submitters, no conflicts (2 of 4 stars). 3 submissions from 3 submitters: Uncertain significance (3). Last evaluated 2025-09-02.

Conditions:
Inborn genetic diseases. Identifiers: MedGen C0950123, MeSH D030342.

Allele frequency attached by ClinVar (database versions not stated): ExAC 0.00002; gnomAD 0.00006; TOPMed 0.00006.

Submissions (3):

GeneDx
Classification: Uncertain significance. Last evaluated: 2025-09-02. Review status: criteria provided, single submitter. Criteria: GeneDx Variant Classification Process June 2021. Collection method: clinical testing. Allele origin: germline. Affected: yes.
Comment: In silico analysis supports that this missense variant has a deleterious effect on protein structure/function; Has not been previously published as pathogenic or benign to our knowledge

Ambry Genetics
Classification: Uncertain significance for Inborn genetic diseases. Last evaluated: 2023-09-26. Review status: criteria provided, single submitter. Criteria: Ambry Variant Classification Scheme 2023. Collection method: clinical testing. Allele origin: germline.

Labcorp Genetics (formerly Invitae), Labcorp
Classification: Uncertain significance. Last evaluated: 2021-10-13. Review status: criteria provided, single submitter. Criteria: Invitae Variant Classification Sherloc (09022015). Collection method: clinical testing. Allele origin: germline.
Comment: In summary, the available evidence is currently insufficient to determine the role of this variant in disease. Therefore, it has been classified as a Variant of Uncertain Significance. Algorithms developed to predict the effect of missense changes on protein structure and function are either unavailable or do not agree on the potential impact of this missense change (SIFT: "Deleterious"; PolyPhen-2: "Possibly Damaging"; Align-GVGD: "Class C0"). This variant has not been reported in the literature in individuals affected with DFNA5-related conditions. This variant is present in population databases (rs762267830, ExAC 0.01%). This sequence change replaces glutamic acid with lysine at codon 177 of the DFNA5 protein (p.Glu177Lys). The glutamic acid residue is highly conserved and there is a small physicochemical difference between glutamic acid and lysine.